The following is an entry in ClinVar:

NM_007194.4(CHEK2):c.1140C>T (p.Leu380=)

Gene: CHEK2 (checkpoint kinase 2; minus strand). Cytogenetic location: 22q12.1.
Variant type: single nucleotide variant.
Coding change: c.1140C>T on transcript NM_007194.4 (MANE Select); coding-DNA position 1140, C replaced by T.
Protein change: p.Leu380=; no amino-acid change (leucine 380 retained).
Molecular consequence: synonymous variant.
Genome position (GRCh38, 1-based): chr22:28,695,829, G>A on the plus strand (C>T on the coding strand, the complement: CHEK2 is on the minus strand). VCF-style: chr22-28695829-G-A. GRCh37 (hg19) VCF-style: chr22-29091817-G-A.
Other names: c.1269C>T, p.Leu423= (NM_001005735.3); c.477C>T, p.Leu159= (NM_001257387.3); c.939C>T, p.Leu313= (NM_001349956.3); c.1053C>T, p.Leu351= (NM_145862.3).
Identifiers: ClinVar variation 1129078 (VCV001129078.12), dbSNP rs2145805584, ClinGen allele CA513944932.

ClinVar aggregate classification (germline): Benign/Likely benign. Review status: criteria provided, multiple submitters, no conflicts (2 of 4 stars). 3 submissions from 3 submitters: Benign (1); Likely benign (2). Last evaluated 2025-04-19.

Conditions:
Hereditary cancer-predisposing syndrome. Also called: Hereditary neoplastic syndrome; Hereditary Cancer Syndrome; Tumor predisposition; Neoplastic Syndromes, Hereditary. Identifiers: Orphanet 140162, MedGen C0027672, MeSH D009386, MONDO:0015356.
Familial cancer of breast. Also called: BREAST CANCER, FAMILIAL; hereditary breast carcinoma; Hereditary breast cancer. Identifiers: Orphanet 227535, MedGen C0346153, MONDO:0016419, OMIM 114480. Disease mechanism: loss of function.

Submissions (3):

Ambry Genetics
Classification: Likely benign for Hereditary cancer-predisposing syndrome. Last evaluated: 2025-04-19. Review status: criteria provided, single submitter. Criteria: Ambry Variant Classification Scheme 2023. Collection method: clinical testing. Allele origin: germline.

Myriad Genetics, Inc.
Classification: Benign for Familial cancer of breast. Last evaluated: 2024-10-07. Review status: criteria provided, single submitter. Criteria: Myriad Autosomal Dominant, Autosomal Recessive and X-Linked Classification Criteria (2023). Collection method: clinical testing. Allele origin: unknown.
Comment: This variant is considered benign. This variant is a silent/synonymous amino acid change and it is not expected to impact splicing.

Labcorp Genetics (formerly Invitae), Labcorp
Classification: Likely benign for Familial cancer of breast. Last evaluated: 2020-10-09. Review status: criteria provided, single submitter. Criteria: Invitae Variant Classification Sherloc (09022015). Collection method: clinical testing. Allele origin: germline.